The following is an entry in ClinVar:

NC_012920.1(MT-TF):m.595C>T

Gene: MT-TF (mitochondrially encoded tRNA phenylalanine; plus strand).
Variant type: single nucleotide variant.
Genome position: chrM-595-C-T.
Identifiers: ClinVar variation 689812 (VCV000689812.1), dbSNP rs1603218452, ClinGen allele CA913175558.

ClinVar aggregate classification (germline): Likely benign (1 of 4 stars; one submission).

Conditions:
MELAS syndrome (MELAS). Also called: Juvenile myopathy, encephalopathy, lactic acidosis, stroke. Identifiers: Orphanet 550, MedGen C0162671, MONDO:0010789, OMIM 540000.

Submission:

Wong Mito Lab, Molecular and Human Genetics, Baylor College of Medicine
Classification: Likely benign for MELAS syndrome. Last evaluated: 2019-07-12. Review status: criteria provided, single submitter. Criteria: Modified ACMG Guidelines (Unpublished). Collection method: clinical testing. Allele origin: germline.
Comment: The NC_012920.1:m.595C>T variant in MT-TF gene is interpreted to be a Likely Benign variant based on the modified ACMG guidelines (unpublished). This variant meets the following evidence codes reported in the guidelines: BS1, BP4

Literature cited by the submitters: PubMed 31965079.